The following is an entry in ClinVar:

NM_003924.4(PHOX2B):c.796G>T (p.Ala266Ser)

Gene: PHOX2B (paired like homeobox 2B; minus strand). Cytogenetic location: 4p13.
Variant type: single nucleotide variant.
Coding change: c.796G>T on transcript NM_003924.4 (MANE Select); coding-DNA position 796, G replaced by T.
Protein change: p.Ala266Ser; replaces alanine 266 with serine.
Molecular consequence: missense variant.
Genome position (GRCh38, 1-based): chr4:41,745,956, C>A on the plus strand (G>T on the coding strand, the complement: PHOX2B is on the minus strand). VCF-style: chr4-41745956-C-A. GRCh37 (hg19) VCF-style: chr4-41747973-C-A.
Other names: short protein forms A266S.
Identifiers: ClinVar variation 467748 (VCV000467748.18), dbSNP rs1260084723, ClinGen allele CA356737122.
Genomic context (GRCh38, chr4:41,745,956, plus strand): 5'-AATCCGGGATGGAGGTGATGGGGCCGGGGCCGGGAGCCCAGCCTTGTCCAGGGCCCCCAG[C>A]CGCAGCCAGGCCTCCAGCTGCCGCCGCTGCCGCTGCCGCCGCCGCCGCTGCCGCGGCCGC-3'
Protein context (NP_003915.2, residues 256-276): AAAAAGGLAA[Ala266Ser]GGPGQGWAPG

ClinVar aggregate classification (germline): Conflicting classifications of pathogenicity. Review status: criteria provided, conflicting classifications (1 of 4 stars). 4 submissions from 4 submitters: Uncertain significance (3); Likely benign (1). Last evaluated 2024-05-22.

Conditions:
Neuroblastoma, susceptibility to, 2. Identifiers: Orphanet 635, MedGen C2751682, MONDO:0700041, OMIM 613013.
Hereditary cancer-predisposing syndrome. Also called: Neoplastic Syndromes, Hereditary; Tumor predisposition; Hereditary Cancer Syndrome; Hereditary neoplastic syndrome. Identifiers: Orphanet 140162, MedGen C0027672, MeSH D009386, MONDO:0015356.
Haddad syndrome (OHD). Also called: Ondine-Hirschsprung disease. Identifiers: Orphanet 99803, MedGen C1859049, MONDO:0020493.

Allele frequency attached by ClinVar (database versions not stated): gnomAD exomes 0.00002 and 0.00003; TOPMed 0.00003.
gnomAD v4.1: 20 of 1,453,226 alleles (0.0014%); highest among the groups gnomAD compares: Admixed American, 0.037%; 1 homozygote.

Submissions (4):

Labcorp Genetics (formerly Invitae), Labcorp
Classification: Uncertain significance for Haddad syndrome. Last evaluated: 2024-05-22. Review status: criteria provided, single submitter. Criteria: Invitae Variant Classification Sherloc (09022015). Collection method: clinical testing. Allele origin: germline.
Comment: This sequence change replaces alanine, which is neutral and non-polar, with serine, which is neutral and polar, at codon 266 of the PHOX2B protein (p.Ala266Ser). This variant is present in population databases (no rsID available, gnomAD 0.02%). This variant has not been reported in the literature in individuals affected with PHOX2B-related conditions. ClinVar contains an entry for this variant (Variation ID: 467748). Experimental studies and prediction algorithms are not available or were not evaluated, and the functional significance of this variant is currently unknown. In summary, the available evidence is currently insufficient to determine the role of this variant in disease. Therefore, it has been classified as a Variant of Uncertain Significance.

Baylor Genetics
Classification: Uncertain significance for Neuroblastoma, susceptibility to, 2. Last evaluated: 2024-03-04. Review status: criteria provided, single submitter. Criteria: ACMG Guidelines, 2015. Collection method: clinical testing. Allele origin: unknown.

Ambry Genetics
Classification: Likely benign for Hereditary cancer-predisposing syndrome. Last evaluated: 2022-08-19. Review status: criteria provided, single submitter. Criteria: Ambry Variant Classification Scheme 2023. Collection method: clinical testing. Allele origin: germline.

Revvity Omics, Revvity
Classification: Uncertain significance. Last evaluated: 2019-06-26. Review status: criteria provided, single submitter. Criteria: ACMG Guidelines, 2015. Collection method: clinical testing. Allele origin: germline.